The following is an entry in ClinVar:

NM_001330260.2(SCN8A):c.5904_5905del (p.Arg1968fs)

Gene: SCN8A (sodium voltage-gated channel alpha subunit 8; plus strand). Cytogenetic location: 12q13.13.
Variant type: Microsatellite.
Coding change: c.5904_5905del on transcript NM_001330260.2 (MANE Select); coding-DNA positions 5904 to 5905, 2 bases deleted (AG; older notation c.5904_5905delAG).
Protein change: p.Arg1968fs; shifts the reading frame from arginine 1968.
Molecular consequence: frameshift variant.
Genome position (GRCh38, 1-based): chr12:51,807,390-51,807,391, AG deleted; deleting any 2 consecutive bases within chr12:51,807,388-51,807,391 gives the same sequence; the c. name uses the placement nearest the transcript's 3' end. VCF-style (leftmost placement, unchanged base first): chr12-51807387-AAG-A. GRCh37 (hg19) VCF-style: chr12-52201171-AAG-A.
Other names: c.5781_5782del, p.Arg1927fs (NM_001177984.3, NM_001369788.1); c.5904_5905del, p.Arg1968fs (NM_014191.4); c.5904_5905del (NM_014191.3); short protein forms R1927fs, R1968fs.
Identifiers: ClinVar variation 1449050 (VCV001449050.9), dbSNP rs1938738246, ClinGen allele CA947652811.

ClinVar aggregate classification (germline): Uncertain significance. Review status: criteria provided, multiple submitters, no conflicts (2 of 4 stars). 2 submissions from 2 submitters: Uncertain significance (2). Last evaluated 2026-02-05.

Conditions:
Early-infantile DEE. Also called: Early infantile epileptic encephalopathy with suppression bursts; Early infantile epileptic encephalopathy; Ohtahara syndrome. Identifiers: Orphanet 1934, MedGen C0393706, MONDO:0800491.

Submissions (2):

GeneDx
Classification: Uncertain significance. Last evaluated: 2026-02-05. Review status: criteria provided, single submitter. Criteria: GeneDx Variant Classification Process June 2021. Collection method: clinical testing. Allele origin: germline. Affected: yes.
Comment: Not observed at significant frequency in large population cohorts (gnomAD); Frameshift variant predicted to result in abnormal protein length as the last 13 amino acids are replaced with 28 different amino acids; Has not been previously published as pathogenic or benign to our knowledge

Labcorp Genetics (formerly Invitae), Labcorp
Classification: Uncertain significance for Early-infantile DEE. Last evaluated: 2023-05-27. Review status: criteria provided, single submitter. Criteria: Invitae Variant Classification Sherloc (09022015). Collection method: clinical testing. Allele origin: germline.
Comment: This variant is not present in population databases (gnomAD no frequency). This sequence change results in a frameshift in the SCN8A gene (p.Arg1968Serfs*29). While this is not anticipated to result in nonsense mediated decay, it is expected to disrupt the last 13 amino acid(s) of the SCN8A protein and extend the protein by 15 additional amino acid residues. In summary, the available evidence is currently insufficient to determine the role of this variant in disease. Therefore, it has been classified as a Variant of Uncertain Significance. Experimental studies and prediction algorithms are not available or were not evaluated, and the functional significance of this variant is currently unknown. This variant has not been reported in the literature in individuals affected with SCN8A-related conditions.